The following is an entry in ClinVar:

NM_000702.4(ATP1A2):c.2774T>C (p.Val925Ala)

Gene: ATP1A2 (ATPase Na+/K+ transporting subunit alpha 2; plus strand). Cytogenetic location: 1q23.2.
Variant type: single nucleotide variant.
Coding change: c.2774T>C on transcript NM_000702.4 (MANE Select); coding-DNA position 2774, T replaced by C.
Protein change: p.Val925Ala; replaces valine 925 with alanine.
Molecular consequence: missense variant.
Genome position (GRCh38, 1-based): chr1:160,136,965, T>C. VCF-style: chr1-160136965-T-C. GRCh37 (hg19) VCF-style: chr1-160106755-T-C.
Other names: short protein forms V925A.
Identifiers: ClinVar variation 944629 (VCV000944629.13), dbSNP rs1651973840, ClinGen allele CA343252684.

ClinVar aggregate classification (germline): Uncertain significance. Review status: criteria provided, multiple submitters, no conflicts (2 of 4 stars). 3 submissions from 3 submitters: Uncertain significance (3). Last evaluated 2026-09-04.

Conditions:
Inborn genetic diseases. Identifiers: MedGen C0950123, MeSH D030342.
Familial hemiplegic migraine. Identifiers: MedGen C0338484, MONDO:0000700.

Submissions (3):

GeneDx
Classification: Uncertain significance. Last evaluated: 2026-09-04. Review status: criteria provided, single submitter. Criteria: GeneDx Variant Classification Process June 2021. Collection method: clinical testing. Allele origin: germline.
Comment: Not observed at significant frequency in large population cohorts (gnomAD); In silico analysis supports that this missense variant has a deleterious effect on protein structure/function; Has not been previously published as pathogenic or benign to our knowledge

Labcorp Genetics (formerly Invitae), Labcorp
Classification: Uncertain significance for Familial hemiplegic migraine. Last evaluated: 2019-10-03. Review status: criteria provided, single submitter. Criteria: Invitae Variant Classification Sherloc (09022015). Collection method: clinical testing. Allele origin: germline.
Comment: In summary, the available evidence is currently insufficient to determine the role of this variant in disease. Therefore, it has been classified as a Variant of Uncertain Significance. Algorithms developed to predict the effect of missense changes on protein structure and function are either unavailable or do not agree on the potential impact of this missense change (SIFT: "Deleterious"; PolyPhen-2: "Possibly Damaging"; Align-GVGD: "Class C0"). This variant has not been reported in the literature in individuals with ATP1A2-related conditions. This variant is not present in population databases (ExAC no frequency). This sequence change replaces valine with alanine at codon 925 of the ATP1A2 protein (p.Val925Ala). The valine residue is highly conserved and there is a small physicochemical difference between valine and alanine.

Ambry Genetics
Classification: Uncertain significance for Inborn genetic diseases. Last evaluated: 2017-05-04. Review status: criteria provided, single submitter. Criteria: Ambry Variant Classification Scheme 2023. Collection method: clinical testing. Allele origin: germline.
Comment: The p.V925A variant (also known as c.2774T>C), located in coding exon 20 of the ATP1A2 gene, results from a T to C substitution at nucleotide position 2774. The valine at codon 925 is replaced by alanine, an amino acid with similar properties. This amino acid position is highly conserved in available vertebrate species. In addition, this alteration is predicted to be deleterious by in silico analysis. Since supporting evidence is limited at this time, the clinical significance of this alteration remains unclear.